The following is an entry in ClinVar:

ClinVar aggregate classification (germline): Likely benign. Review status: criteria provided, multiple submitters, no conflicts (2 of 4 stars). 3 submissions from 3 submitters: Likely benign (2). 1 of the submissions does not count toward it. Last evaluated 2025-11-15.

Conditions:
ZBTB20-related disorder. Also called: ZBTB20-related condition.

Allele frequency attached by ClinVar (database versions not stated): ExAC 0.00003; gnomAD exomes 0.00008 and 0.00021; gnomAD 0.00009 and 0.00010; TOPMed 0.00009; ESP Exome Variant Server 0.00023.
gnomAD v4.1: 330 of 1,614,062 alleles (0.02%); highest among the groups gnomAD compares: Non-Finnish European, 0.026%; no homozygotes.

Submissions (3):

Labcorp Genetics (formerly Invitae), Labcorp
Classification: Likely benign. Last evaluated: 2025-11-15. Review status: criteria provided, single submitter. Criteria: Invitae Variant Classification Sherloc (09022015). Collection method: clinical testing. Allele origin: germline.

CeGaT Center for Human Genetics Tuebingen
Classification: Likely benign. Last evaluated: 2023-12-01. Review status: criteria provided, single submitter. Criteria: CeGaT Center For Human Genetics Tuebingen Variant Classification Criteria Version 2. Collection method: clinical testing. Allele origin: germline. Affected: yes. Observed: 2 variant alleles.
Comment: ZBTB20: BP4, BP7

PreventionGenetics, part of Exact Sciences
Classification: Likely benign for ZBTB20-related condition. Last evaluated: 2019-04-04. Review status: no assertion criteria provided. Collection method: clinical testing. Allele origin: germline. Not counted in ClinVar's aggregate classification.
Comment: This variant is classified as likely benign based on ACMG/AMP sequence variant interpretation guidelines (Richards et al. 2015 PMID: 25741868, with internal and published modifications).

NM_001348800.3(ZBTB20):c.1911T>C (p.Ser637=)

Gene: ZBTB20 (zinc finger and BTB domain containing 20; minus strand). Cytogenetic location: 3q13.31.
Variant type: single nucleotide variant.
Coding change: c.1911T>C on transcript NM_001348800.3 (MANE Select); coding-DNA position 1911, T replaced by C.
Protein change: p.Ser637=; no amino-acid change (serine 637 retained).
Molecular consequence: synonymous variant. On other transcripts: non-coding transcript variant (1).
Genome position (GRCh38, 1-based): chr3:114,339,320, A>G on the plus strand (T>C on the coding strand, the complement: ZBTB20 is on the minus strand). VCF-style: chr3-114339320-A-G. GRCh37 (hg19) VCF-style: chr3-114058167-A-G.
Other names: c.1911T>C, p.Ser637= (NM_001164342.2, NM_001348803.3, NM_001393393.1 and 1 more transcripts); c.1692T>C, p.Ser564= (NM_001164343.2, NM_001164344.4, NM_001164345.4 and 9 more transcripts).
Identifiers: ClinVar variation 799695 (VCV000799695.35), dbSNP rs368927046, ClinGen allele CA2551240.
Genomic context (GRCh38, chr3:114,339,320, plus strand): 5'-CCGGTGGAGGCGCATGTGCACGTTGAGGGAGCTCTTCTGGGTGAAGCGCTTGTTGCAGAT[A>G]CTACACTGGTATGCCCTCACTCCTGTGTGTGTCACCATGTGCTTGATAAGGTAATCCTTT-3'
Protein context (NP_001335729.1, residues 627-647): THTGVRAYQC[Ser637=]ICNKRFTQKS